The following is an entry in ClinVar:

NM_006218.4(PIK3CA):c.1163A>T (p.Asn388Ile)

Gene: PIK3CA (phosphatidylinositol-4,5-bisphosphate 3-kinase catalytic subunit alpha; plus strand). Cytogenetic location: 3q26.32.
Variant type: single nucleotide variant.
Coding change: c.1163A>T on transcript NM_006218.4 (MANE Select); coding-DNA position 1163, A replaced by T.
Protein change: p.Asn388Ile; replaces asparagine 388 with isoleucine.
Molecular consequence: missense variant.
Genome position (GRCh38, 1-based): chr3:179,209,612, A>T. VCF-style: chr3-179209612-A-T. GRCh37 (hg19) VCF-style: chr3-178927400-A-T.
Other names: short protein forms N388I.
Identifiers: ClinVar variation 4861861 (VCV004861861.1).

ClinVar aggregate classification (germline): Uncertain significance (1 of 4 stars; one submission).

Conditions:
Inborn genetic diseases. Identifiers: MedGen C0950123, MeSH D030342.

Submission:

Ambry Genetics
Classification: Uncertain significance for Inborn genetic diseases. Last evaluated: 2026-03-15. Review status: criteria provided, single submitter. Criteria: Ambry Variant Classification Scheme 2023. Collection method: clinical testing. Allele origin: germline.
Comment: The p.N388I variant (also known as c.1163A>T), located in coding exon 6 of the PIK3CA gene, results from an A to T substitution at nucleotide position 1163. The asparagine at codon 388 is replaced by isoleucine, an amino acid with dissimilar properties. This amino acid position is conserved. In addition, this alteration is predicted to be tolerated by in silico analysis. Based on the available evidence, the clinical significance of this variant remains unclear.